The following is an entry in ClinVar:

NM_005045.4(RELN):c.6526C>T (p.Gln2176Ter)

Gene: RELN (reelin; minus strand). Cytogenetic location: 7q22.1.
Variant type: single nucleotide variant.
Coding change: c.6526C>T on transcript NM_005045.4 (MANE Select); coding-DNA position 6526, C replaced by T.
Protein change: p.Gln2176Ter; replaces glutamine 2176 with a stop codon.
Molecular consequence: nonsense.
Genome position (GRCh38, 1-based): chr7:103,542,876, G>A on the plus strand (C>T on the coding strand, the complement: RELN is on the minus strand). VCF-style: chr7-103542876-G-A. GRCh37 (hg19) VCF-style: chr7-103183323-G-A.
Other names: c.6526C>T, p.Gln2176Ter (NM_173054.3); short protein forms Q2176*.
Identifiers: ClinVar variation 2938762 (VCV002938762.3), dbSNP rs1305459936, ClinGen allele CA368770701.

ClinVar aggregate classification (germline): Pathogenic (1 of 4 stars; one submission).

Conditions:
Norman-Roberts syndrome (LIS2). Also called: Lissencephaly 2 (Norman-Roberts type). Identifiers: Orphanet 89844, MedGen C0796089, MONDO:0009760, OMIM 257320.
Familial temporal lobe epilepsy 7. Identifiers: Orphanet 101046, MedGen C4225327, MONDO:0014639, OMIM 616436.

Allele frequency attached by ClinVar (database versions not stated): gnomAD exomes below 0.00001; TOPMed below 0.00001; gnomAD 0.00001.
gnomAD v4.1: 4 of 1,613,868 alleles (0.00025%); highest among the groups gnomAD compares: African/African-American, 0.0013%; no homozygotes.

Submission:

Labcorp Genetics (formerly Invitae), Labcorp
Classification: Pathogenic for Familial temporal lobe epilepsy 7; Norman-Roberts syndrome. Last evaluated: 2023-04-09. Review status: criteria provided, single submitter. Criteria: Invitae Variant Classification Sherloc (09022015). Collection method: clinical testing. Allele origin: germline.
Comment: For these reasons, this variant has been classified as Pathogenic. Algorithms developed to predict the effect of sequence changes on RNA splicing suggest that this variant may disrupt the consensus splice site. This variant has not been reported in the literature in individuals affected with RELN-related conditions. This variant is not present in population databases (gnomAD no frequency). This sequence change creates a premature translational stop signal (p.Gln2176*) in the RELN gene. It is expected to result in an absent or disrupted protein product. Loss-of-function variants in RELN are known to be pathogenic (PMID: 10973257, 26046367, 28454995).

Literature cited by the submitters: PubMed 10973257; PubMed 26046367; PubMed 28454995.